The following is an entry in ClinVar:

ClinVar aggregate classification (germline): Benign (1 of 4 stars; one submission).

Allele frequency attached by ClinVar (database versions not stated): 1000 Genomes Project 30x 0.60899; 1000 Genomes Project 0.61362; TOPMed 0.64310; gnomAD 0.65146.
gnomAD v4.1: 99,800 of 152,006 alleles (66%); highest among the groups gnomAD compares: Middle Eastern, 77%; 34,111 homozygotes.

Submission:

GeneDx
Classification: Benign. Last evaluated: 2018-06-14. Review status: criteria provided, single submitter. Criteria: GeneDx Variant Classification (06012015). Collection method: clinical testing. Allele origin: germline. Affected: yes.
Comment: This variant is considered likely benign or benign based on one or more of the following criteria: it is a conservative change, it occurs at a poorly conserved position in the protein, it is predicted to be benign by multiple in silico algorithms, and/or has population frequency not consistent with disease.

NM_000138.5(FBN1):c.6163+293G>A

Gene: FBN1 (fibrillin 1; minus strand). Cytogenetic location: 15q21.1.
Variant type: single nucleotide variant.
Coding change: c.6163+293G>A on transcript NM_000138.5 (MANE Select); 293 bases into the intron after coding-DNA position 6163, G replaced by A.
Molecular consequence: intron variant.
Genome position (GRCh38, 1-based): chr15:48,441,428, C>T on the plus strand (G>A on the coding strand, the complement: FBN1 is on the minus strand). VCF-style: chr15-48441428-C-T. GRCh37 (hg19) VCF-style: chr15-48733625-C-T.
Identifiers: ClinVar variation 680577 (VCV000680577.1), dbSNP rs1426718, ClinGen allele CA15837289.